The following is an entry in ClinVar:

NM_000051.3:c.2839-3insALU

Gene: ATM (ATM serine/threonine kinase; plus strand).
Variant type: Insertion.
Identifiers: ClinVar variation 2447501 (VCV002447501.3).

ClinVar aggregate classification (germline): Likely pathogenic (1 of 4 stars; one submission).

Conditions:
Hereditary cancer-predisposing syndrome. Also called: Neoplastic Syndromes, Hereditary; Hereditary Cancer Syndrome; Tumor predisposition; Hereditary neoplastic syndrome. Identifiers: Orphanet 140162, MedGen C0027672, MeSH D009386, MONDO:0015356.

Submission:

Ambry Genetics
Classification: Likely pathogenic for Hereditary cancer-predisposing syndrome. Last evaluated: 2025-10-10. Review status: criteria provided, single submitter. Criteria: Ambry Variant Classification Scheme 2023. Collection method: clinical testing. Allele origin: germline.
Comment: The c.2839-3insALU likely pathogenic variant, results from an insertion of an Alu element three nucleotides upstream from coding exon 18 in the ATM gene. Mobile element insertions contribute to pathogenicity by either disrupting the coding sequence or inducing aberrant splicing (Belancio VP et al. Semin. Cancer Biol. 2010 Aug;20:200-10; Deininger P et al. Genome Biol. 2011 Dec;12:236; van der Klift HM Hum Mutat. 2012 Jul;33(7):1051-5). RNA studies have demonstrated that this alteration results in abnormal splicing in the set of samples tested (Ambry internal data). Based on the majority of available evidence to date, this variant is likely to be pathogenic.